The following is an entry in ClinVar:

NM_020975.6(RET):c.1009G>C (p.Glu337Gln)

Gene: RET (ret proto-oncogene; plus strand). Cytogenetic location: 10q11.21.
Variant type: single nucleotide variant.
Coding change: c.1009G>C on transcript NM_020975.6 (MANE Select); coding-DNA position 1009, G replaced by C.
Protein change: p.Glu337Gln; replaces glutamic acid 337 with glutamine.
Molecular consequence: missense variant.
Genome position (GRCh38, 1-based): chr10:43,106,517, G>C. VCF-style: chr10-43106517-G-C. GRCh37 (hg19) VCF-style: chr10-43601965-G-C.
Other names: c.1009G>C, p.Glu337Gln (NM_000323.2, NM_001406743.1, NM_001406744.1 and 6 more transcripts); c.247G>C, p.Glu83Gln (NM_001355216.2); c.880G>C, p.Glu294Gln (NM_001406761.1, NM_001406762.1, NM_001406764.1 and 1 more transcripts); c.721G>C, p.Glu241Gln (NM_001406766.1, NM_001406767.1, NM_001406770.1); short protein forms E337Q, E83Q, E241Q, E294Q.
Identifiers: ClinVar variation 1407975 (VCV001407975.11), dbSNP rs1161270866, ClinGen allele CA376546359.

ClinVar aggregate classification (germline): Uncertain significance. Review status: criteria provided, multiple submitters, no conflicts (2 of 4 stars). 3 submissions from 3 submitters: Uncertain significance (3). Last evaluated 2024-11-09.

Conditions:
Multiple endocrine neoplasia type 2B. Also called: Multiple endocrine neoplasia, type 3; MULTIPLE ENDOCRINE NEOPLASIA, TYPE IIB; MEN IIB; NEUROMATA, MUCOSAL, WITH ENDOCRINE TUMORS; WAGENMANN-FROBOESE SYNDROME; MULTIPLE ENDOCRINE NEOPLASIA, TYPE III. Identifiers: Orphanet 247709, Orphanet 653, MedGen C0025269, MeSH D018814, MONDO:0008082, OMIM 162300.
Pheochromocytoma. Also called: MAX-Related Hereditary Paraganglioma-Pheochromocytoma Syndrome. Identifiers: Orphanet 29072, MedGen C0031511, MONDO:0008233, OMIM 171300, HP:0002666.
Familial medullary thyroid carcinoma (MTC). Also called: Familial Medullary Thyroid Carcinoma (FMTC); Thyroid cancer, familial medullary; MTC, familial. Identifiers: Orphanet 653, Orphanet 99361, MedGen C1833921, MONDO:0007958, OMIM 155240.
Hirschsprung disease, susceptibility to, 1 (HSCR1). Also called: RET-Related Hirschsprung Disease. Identifiers: Orphanet 388, MedGen C3888239, MONDO:0007723, OMIM 142623.
Multiple endocrine neoplasia type 2A. Also called: Multiple Endocrine Neoplasia Type 2A (MEN2A); MULTIPLE ENDOCRINE NEOPLASIA, TYPE IIA; PTC SYNDROME; SIPPLE SYNDROME; MEN 2A; MEN-2A syndrome. Identifiers: Orphanet 247698, Orphanet 653, MedGen C0025268, MeSH D018813, MONDO:0008234, OMIM 171400.
Multiple endocrine neoplasia, type 2 (MEN2). Identifiers: Orphanet 653, MedGen C4048306, MONDO:0019003. Disease mechanism: gain of function.
Hereditary cancer-predisposing syndrome. Also called: Neoplastic Syndromes, Hereditary; Tumor predisposition; Hereditary Cancer Syndrome; Hereditary neoplastic syndrome. Identifiers: Orphanet 140162, MedGen C0027672, MeSH D009386, MONDO:0015356.

Allele frequency attached by ClinVar (database versions not stated): gnomAD exomes below 0.00001.
gnomAD v4.1: 1 of 1,613,792 alleles (0.000062%); highest among the groups gnomAD compares: Non-Finnish European, 0.000085%; no homozygotes.

Submissions (3):

Ambry Genetics
Classification: Uncertain significance for Hereditary cancer-predisposing syndrome. Last evaluated: 2024-11-09. Review status: criteria provided, single submitter. Criteria: Ambry Variant Classification Scheme 2023. Collection method: clinical testing. Allele origin: germline.

Fulgent Genetics
Classification: Uncertain significance for Hirschsprung disease, susceptibility to, 1; Familial medullary thyroid carcinoma; Multiple endocrine neoplasia type 2B; Pheochromocytoma; Multiple endocrine neoplasia type 2A. Last evaluated: 2024-04-10. Review status: criteria provided, single submitter. Criteria: ACMG Guidelines, 2015. Collection method: clinical testing. Allele origin: germline.

Labcorp Genetics (formerly Invitae), Labcorp
Classification: Uncertain significance for Multiple endocrine neoplasia, type 2. Last evaluated: 2021-08-18. Review status: criteria provided, single submitter. Criteria: Invitae Variant Classification Sherloc (09022015). Collection method: clinical testing. Allele origin: germline.
Comment: In summary, the available evidence is currently insufficient to determine the role of this variant in disease. Therefore, it has been classified as a Variant of Uncertain Significance. This variant has not been reported in the literature in individuals affected with RET-related conditions. Algorithms developed to predict the effect of missense changes on protein structure and function are either unavailable or do not agree on the potential impact of this missense change (SIFT: "Tolerated"; PolyPhen-2: "Possibly Damaging"; Align-GVGD: "Class C0"). This variant is not present in population databases (ExAC no frequency). This sequence change replaces glutamic acid with glutamine at codon 337 of the RET protein (p.Glu337Gln). The glutamic acid residue is highly conserved and there is a small physicochemical difference between glutamic acid and glutamine.